The following is an entry in ClinVar:

ClinVar aggregate classification (germline): Uncertain significance (1 of 4 stars; one submission).

Conditions:
Neurofibromatosis, type 1 (NF1). Also called: Peripheral type neurofibromatosis; VON RECKLINGHAUSEN DISEASE; Neurofibromatosis, type I; NEUROFIBROMATOSIS, TYPE I, SOMATIC. Identifiers: Orphanet 636, MedGen C0027831, MONDO:0018975, OMIM 162200. Disease mechanism: loss of function.

Submission:

Labcorp Genetics (formerly Invitae), Labcorp
Classification: Uncertain significance for Neurofibromatosis, type 1. Last evaluated: 2019-01-14. Review status: criteria provided, single submitter. Criteria: Invitae Variant Classification Sherloc (09022015). Collection method: clinical testing. Allele origin: germline.
Comment: In summary, the available evidence is currently insufficient to determine the role of this variant in disease. Therefore, it has been classified as a Variant of Uncertain Significance. Algorithms developed to predict the effect of missense changes on protein structure and function are either unavailable or do not agree on the potential impact of this missense change (SIFT: "Deleterious"; PolyPhen-2: "Benign"; Align-GVGD: "Class C0"). This variant has not been reported in the literature in individuals with NF1-related conditions. This variant is not present in population databases (ExAC no frequency). This sequence change replaces glutamine with histidine at codon 2510 of the NF1 protein (p.Gln2510His). The glutamine residue is moderately conserved and there is a small physicochemical difference between glutamine and histidine.

NM_001042492.3(NF1):c.7593G>C (p.Gln2531His)

Gene: NF1 (neurofibromin 1; plus strand). Cytogenetic location: 17q11.2.
Variant type: single nucleotide variant.
Coding change: c.7593G>C on transcript NM_001042492.3 (MANE Select); coding-DNA position 7593, G replaced by C.
Protein change: p.Gln2531His; replaces glutamine 2531 with histidine.
Molecular consequence: missense variant.
Genome position (GRCh38, 1-based): chr17:31,352,392, G>C. VCF-style: chr17-31352392-G-C. GRCh37 (hg19) VCF-style: chr17-29679410-G-C.
Other names: c.7530G>C, p.Gln2510His (NM_000267.4); short protein forms Q2510H, Q2531H.
Identifiers: ClinVar variation 845411 (VCV000845411.6), dbSNP rs2070172055, ClinGen allele CA399017819.